The following is an entry in ClinVar:

ClinVar aggregate classification (germline): Pathogenic/Likely pathogenic. Review status: criteria provided, multiple submitters, no conflicts (2 of 4 stars). 19 submissions from 19 submitters: Pathogenic (13); Likely pathogenic (4). 2 of the submissions do not count toward it. Last evaluated 2026-07-27.

Conditions:
EIF2B2-related disorder. Also called: EIF2B2-related condition.
EIF2B2-related disorders.
Leukoencephalopathy with vanishing white matter 2 (VWM2). Also called: Leukoencephalopathy with vanishing white matter 2, with or without ovarian failure; EIF2B2-Related Childhood Ataxia with Central Nervous System Hypomyelination/Vanishing White Matter. Identifiers: MedGen C5830404, MONDO:0957870, OMIM 620312.
Inborn genetic diseases. Identifiers: MedGen C0950123, MeSH D030342.
Vanishing white matter disease. Also called: Childhood ataxia with diffuse central nervous system hypomyelination; Leukoencephalopathy with vanishing white matter; CACH/VWM syndrome; Cree leukoencehalopathy; CACH syndrome. Identifiers: Orphanet 135, Orphanet 99853, MedGen C1858991, MONDO:0800448.

Allele frequency attached by ClinVar (database versions not stated): ExAC 0.00020; gnomAD exomes 0.00025 and 0.00052; gnomAD 0.00027 and 0.00029; TOPMed 0.00031; ESP Exome Variant Server 0.00038.

Submissions 1 to 11 of 19:

Institute of Human Genetics, University of Leipzig Medical Center
Classification: Pathogenic for Leukoencephalopathy with vanishing white matter 2. Last evaluated: 2026-07-27. Review status: criteria provided, single submitter. Criteria: ACMG Guidelines, 2015. Collection method: clinical testing. Allele origin: unknown. Inheritance: Autosomal recessive inheritance. Affected: yes.
Comment: Criteria applied: PM3_VSTR,PM2,PS3_SUP,PP3; Identified as compund heterozygous with NM_014239.4:c.268C>T

Labcorp Genetics (formerly Invitae), Labcorp
Classification: Pathogenic. Last evaluated: 2026-01-19. Review status: criteria provided, single submitter. Criteria: Invitae Variant Classification Sherloc (09022015). Collection method: clinical testing. Allele origin: germline.
Comment: This sequence change replaces glycine, which is neutral and non-polar, with valine, which is neutral and non-polar, at codon 200 of the EIF2B2 protein (p.Gly200Val). This variant is present in population databases (rs113994012, gnomAD 0.04%). This missense change has been observed in individual(s) with clinical features of leukoencephalopathy with vanishing white matter (PMID: 14566705). In at least one individual the data is consistent with being in trans (on the opposite chromosome) from a pathogenic variant. It has also been observed to segregate with disease in related individuals. ClinVar contains an entry for this variant (Variation ID: 208575). An algorithm developed to predict the effect of missense changes on protein structure and function (PolyPhen-2) suggests that this variant is likely to be disruptive. Experimental studies have shown that this missense change affects EIF2B2 function (PMID: 21560189). For these reasons, this variant has been classified as Pathogenic.

First Genomix Gene Laboratory, Genetic Diagnostics Department
Classification: Pathogenic for Leukoencephalopathy with vanishing white matter 2. Last evaluated: 2025-06-04. Review status: criteria provided, single submitter. Criteria: ACMG Guidelines, 2015. Collection method: clinical testing. Allele origin: germline. Inheritance: Autosomal recessive inheritance. Affected: no. Observed: 1 variant allele.

PreventionGenetics, part of Exact Sciences
Classification: Pathogenic for EIF2B2-related condition. Last evaluated: 2025-03-25. Review status: criteria provided, single submitter. Criteria: ACMG Guidelines, 2015. Collection method: clinical testing. Allele origin: germline.
Comment: The EIF2B2 c.599G>T variant is predicted to result in the amino acid substitution p.Gly200Val. This variant has been documented to be causative for leukoencephalopathy with vanishing white matter in several studies (see for example - van der Knaap et al. 2003. PubMed ID: 14566705). This variant is reported in 0.046% of alleles in individuals of European (Non-Finnish) descent in gnomAD. This variant is interpreted as pathogenic.

Blueprint Genetics
Classification: Pathogenic for EIF2B2-related disorders. Last evaluated: 2024-09-18. Review status: criteria provided, single submitter. Criteria: ACMG Guidelines, 2015. Collection method: clinical testing. Allele origin: germline. Affected: yes. Observed: 5 variant alleles.

Fulgent Genetics
Classification: Pathogenic for Leukoencephalopathy with vanishing white matter 2. Last evaluated: 2024-06-06. Review status: criteria provided, single submitter. Criteria: ACMG Guidelines, 2015. Collection method: clinical testing. Allele origin: germline.

GeneDx
Classification: Pathogenic. Last evaluated: 2023-10-17. Review status: criteria provided, single submitter. Criteria: GeneDx Variant Classification Process June 2021. Collection method: clinical testing. Allele origin: germline. Affected: yes.
Comment: Published functional studies demonstrate that the G200V variant results in a complete loss of holocomplex formation (Liu et al., 2011); In silico analysis supports that this missense variant has a deleterious effect on protein structure/function; This variant is associated with the following publications: (PMID: 26162493, 15776425, 21560189, 14566705, 27159321, 18263758, 31822864, 31589614, 35586607, 29431110, 31980526, 30266093)

Department of Pathology and Laboratory Medicine, Sinai Health System
Classification: Pathogenic for Leukoencephalopathy with vanishing white matter 2. Last evaluated: 2023-08-17. Review status: criteria provided, single submitter. Criteria: ACMG Guidelines, 2015. Collection method: research. Allele origin: germline.

Women's Health and Genetics/Laboratory Corporation of America, LabCorp
Classification: Pathogenic for Vanishing white matter disease. Last evaluated: 2023-06-30. Review status: criteria provided, single submitter. Criteria: LabCorp Variant Classification Summary - May 2015. Collection method: clinical testing. Allele origin: germline.
Comment: Variant summary: EIF2B2 c.599G>T (p.Gly200Val) results in a non-conservative amino acid change in the encoded protein sequence. Five of five in-silico tools predict a damaging effect of the variant on protein function. 4/4 computational tools predict no significant impact on normal splicing. However, these predictions have yet to be confirmed by functional studies. The variant allele was found at a frequency of 0.00025 in 251474 control chromosomes (gnomAD). This frequency is not significantly higher than estimated for a pathogenic variant in EIF2B2 causing Leukoencephalopathy With Vanishing White Matter (0.00025 vs 0.00046), allowing no conclusion about variant significance. c.599G>T has been reported in the literature as a biallelic genotype in multiple individuals affected with Leukoencephalopathy With Vanishing White Matter (e.g. Ohlenbusch_2005, Vanderver_2016, Slynko_2021). These data indicate that the variant is very likely to be associated with disease. When expressed in HEK293 cells, the variant protein was incapable of binding any other subunits to form the mature holoenzyme (Liu_2011). The following publications have been ascertained in the context of this evaluation (PMID: 21560189, 15776425, 33432707, 27159321). Eleven ClinVar submitters have assessed this variant since 2014: four classified the variant as likely pathogenic and seven as pathogenic. Based on the evidence outlined above, the variant was classified as pathogenic.

Ambry Genetics
Classification: Likely pathogenic for Inborn genetic diseases. Last evaluated: 2022-07-17. Review status: criteria provided, single submitter. Criteria: Ambry Variant Classification Scheme 2023. Collection method: clinical testing. Allele origin: germline.
Comment: The c.599G>T (p.G200V) alteration is located in exon 5 (coding exon 5) of the EIF2B2 gene. This alteration results from a G to T substitution at nucleotide position 599, causing the glycine (G) at amino acid position 200 to be replaced by a valine (V). Based on data from gnomAD, the T allele has an overall frequency of 0.02% (68/282866) total alleles studied. The highest observed frequency was 0.05% (59/129180) of European (non-Finnish) alleles. This variant has been identified in conjunction with a EIF2B2 likely pathogenic variant in an individual with clinical features of EIF2B2-related leukoencephalopathy with vanishing white matter (Vanderver, 2016). This alteration was also reported to be in trans with a likely pathogenic variant in an individual with abnormal cerebral white matter morphology, abnormal myelination, and tremor (DECIPHER v.9.32). This amino acid position is highly conserved in available vertebrate species. In one functional study with mutated HEK293 cells, the p.G200V mutant was incapable of binding any other subunits, showing a complete loss of holocomplex formation as seen by SDS-PAGE and western blot analysis (Liu, 2011). This alteration is predicted to be deleterious by in silico analysis. Based on the available evidence, this alteration is classified as likely pathogenic.

Laboratorio de Genetica e Diagnostico Molecular, Hospital Israelita Albert Einstein
Classification: Pathogenic. Last evaluated: 2021-09-01. Review status: criteria provided, single submitter. Criteria: ACMG Guidelines, 2015. Collection method: clinical testing. Allele origin: germline. Affected: yes.
Comment: ACMG classification criteria: PS3, PM3, PP3

NM_014239.4(EIF2B2):c.599G>T (p.Gly200Val)

Gene: EIF2B2 (eukaryotic translation initiation factor 2B subunit beta; plus strand). Cytogenetic location: 14q24.3.
Variant type: single nucleotide variant.
Coding change: c.599G>T on transcript NM_014239.4 (MANE Select); coding-DNA position 599, G replaced by T.
Protein change: p.Gly200Val; replaces glycine 200 with valine.
Molecular consequence: missense variant.
Genome position (GRCh38, 1-based): chr14:75,005,867, G>T. VCF-style: chr14-75005867-G-T. GRCh37 (hg19) VCF-style: chr14-75472570-G-T.
Other names: c.599G>T (NM_014239.2); short protein forms G200V.
Identifiers: ClinVar variation 208575 (VCV000208575.42), dbSNP rs113994012, ClinGen allele CA346918.